The following is an entry in ClinVar:

ClinVar aggregate classification (germline): Pathogenic (1 of 4 stars; one submission).

Conditions:
Charcot-Marie-Tooth disease type 2. Also called: Charcot-Marie-Tooth type 2. Identifiers: Orphanet 64746, MedGen C0270914, MONDO:0018993.

Submission:

Labcorp Genetics (formerly Invitae), Labcorp
Classification: Pathogenic for Charcot-Marie-Tooth disease type 2. Last evaluated: 2018-12-11. Review status: criteria provided, single submitter. Criteria: Invitae Variant Classification Sherloc (09022015). Collection method: clinical testing. Allele origin: germline.
Comment: This sequence change creates a premature translational stop signal (p.Glu422*) in the LMNA gene. It is expected to result in an absent or disrupted protein product. This variant is not present in population databases (ExAC no frequency). This variant has not been reported in the literature in individuals with LMNA-related conditions. Loss-of-function variants in LMNA are known to be pathogenic (PMID: 18585512, 18926329). For these reasons, this variant has been classified as Pathogenic.

Literature cited by the submitters: PubMed 18585512; PubMed 18926329.

NM_170707.4(LMNA):c.1264G>T (p.Glu422Ter)

Gene: LMNA (lamin A/C; plus strand). Cytogenetic location: 1q22.
Variant type: single nucleotide variant.
Coding change: c.1264G>T on transcript NM_170707.4 (MANE Select); coding-DNA position 1264, G replaced by T.
Protein change: p.Glu422Ter; replaces glutamic acid 422 with a stop codon.
Molecular consequence: nonsense.
Genome position (GRCh38, 1-based): chr1:156,136,320, G>T. VCF-style: chr1-156136320-G-T. GRCh37 (hg19) VCF-style: chr1-156106111-G-T.
Other names: c.928G>T, p.Glu310Ter (NM_001257374.3); c.1021G>T, p.Glu341Ter (NM_001282624.2); c.1264G>T, p.Glu422Ter (NM_001282625.2, NM_001282626.2, NM_005572.4 and 1 more transcripts); short protein forms E310*, E341*, E422*.
Identifiers: ClinVar variation 665384 (VCV000665384.6), dbSNP rs1448275854, ClinGen allele CA342821502.
Genomic context (GRCh38, chr1:156,136,320, plus strand): 5'-GCTTCCTCTCACTCATCCCAGACACAGGGTGGGGGCAGCGTCACCAAAAAGCGCAAACTG[G>T]AGTCCACTGAGAGCCGCAGCAGCTTCTCACAGCACGCACGCACTAGCGGGCGCGTGGCCG-3'